The following is an entry in ClinVar:

NM_002087.4(GRN):c.529C>T (p.Arg177Cys)

Gene: GRN (granulin precursor; plus strand). Cytogenetic location: 17q21.31.
Variant type: single nucleotide variant.
Coding change: c.529C>T on transcript NM_002087.4 (MANE Select); coding-DNA position 529, C replaced by T.
Protein change: p.Arg177Cys; replaces arginine 177 with cysteine.
Molecular consequence: missense variant.
Genome position (GRCh38, 1-based): chr17:44,350,508, C>T. VCF-style: chr17-44350508-C-T. GRCh37 (hg19) VCF-style: chr17-42427876-C-T.
Other names: short protein forms R177C.
Identifiers: ClinVar variation 1517978 (VCV001517978.7), dbSNP rs751651838, ClinGen allele CA8601924.

ClinVar aggregate classification (germline): Uncertain significance. Review status: criteria provided, multiple submitters, no conflicts (2 of 4 stars). 2 submissions from 2 submitters: Uncertain significance (2). Last evaluated 2024-10-29.

Conditions:
GRN-related frontotemporal lobar degeneration with Tdp43 inclusions (FTD2). Also called: GRN Frontotemporal Dementia; DEMENTIA, HEREDITARY DYSPHASIC DISINHIBITION; FRONTOTEMPORAL LOBAR DEGENERATION WITH UBIQUITIN-POSITIVE INCLUSIONS; FTLD-TDP, GRN-RELATED; FRONTOTEMPORAL DEMENTIA WITH TDP43 INCLUSIONS, GRN-RELATED. Identifiers: Orphanet 100070, Orphanet 282, MedGen C1843792, MONDO:0011842, OMIM 607485. Disease mechanism: loss of function.
Neuronal ceroid lipofuscinosis 11. Also called: GRN-Related Neuronal Ceroid-Lipofuscinosis. Identifiers: Orphanet 314629, Orphanet 79262, MedGen C3539123, MONDO:0013866, OMIM 614706.

Allele frequency attached by ClinVar (database versions not stated): gnomAD 0.00001; gnomAD exomes 0.00001 and 0.00002; ExAC 0.00003.
gnomAD v4.1: 26 of 1,613,802 alleles (0.0016%); highest among the groups gnomAD compares: South Asian, 0.019%; no homozygotes.

Submissions (2):

Blueprint Genetics
Classification: Uncertain significance. Last evaluated: 2024-10-29. Review status: criteria provided, single submitter. Criteria: ACMG Guidelines, 2015. Collection method: clinical testing. Allele origin: germline.

Labcorp Genetics (formerly Invitae), Labcorp
Classification: Uncertain significance for Neuronal ceroid lipofuscinosis 11; GRN-related frontotemporal lobar degeneration with Tdp43 inclusions. Last evaluated: 2024-09-04. Review status: criteria provided, single submitter. Criteria: Invitae Variant Classification Sherloc (09022015). Collection method: clinical testing. Allele origin: germline.
Comment: This sequence change replaces arginine, which is basic and polar, with cysteine, which is neutral and slightly polar, at codon 177 of the GRN protein (p.Arg177Cys). This variant is present in population databases (rs751651838, gnomAD 0.006%). This variant has not been reported in the literature in individuals affected with GRN-related conditions. ClinVar contains an entry for this variant (Variation ID: 1517978). Invitae Evidence Modeling of protein sequence and biophysical properties (such as structural, functional, and spatial information, amino acid conservation, physicochemical variation, residue mobility, and thermodynamic stability) indicates that this missense variant is expected to disrupt GRN protein function with a positive predictive value of 80%. In summary, the available evidence is currently insufficient to determine the role of this variant in disease. Therefore, it has been classified as a Variant of Uncertain Significance.